The following is an entry in ClinVar:

ClinVar aggregate classification (germline): Uncertain significance. Review status: criteria provided, multiple submitters, no conflicts (2 of 4 stars). 2 submissions from 2 submitters: Uncertain significance (2). Last evaluated 2024-05-01.

Conditions:
Paget disease of bone 2, early-onset (PDB2). Also called: Paget disease of bone 2. Identifiers: MedGen C4085251, MONDO:0011183, OMIM 602080.
Frontotemporal dementia and/or amyotrophic lateral sclerosis 1 (FTDALS1). Also called: Frontotemporal dementia with motor neuron disease 1; C9orf72 Frontotemporal Dementia and/or Amyotrophic Lateral Sclerosis. Identifiers: Orphanet 275872, MedGen C5779877, MONDO:0007105, OMIM 105550.

gnomAD v4.1: 3 of 1,614,150 alleles (0.00019%); highest among the groups gnomAD compares: Non-Finnish European, 0.00017%; no homozygotes.

Submissions (2):

Labcorp Genetics (formerly Invitae), Labcorp
Classification: Uncertain significance for Paget disease of bone 2, early-onset; Frontotemporal dementia and/or amyotrophic lateral sclerosis 1. Last evaluated: 2024-05-01. Review status: criteria provided, single submitter. Criteria: Invitae Variant Classification Sherloc (09022015). Collection method: clinical testing. Allele origin: germline.
Comment: This sequence change replaces lysine, which is basic and polar, with glutamine, which is neutral and polar, at codon 344 of the SQSTM1 protein (p.Lys344Gln). This variant is not present in population databases (gnomAD no frequency). This variant has not been reported in the literature in individuals affected with SQSTM1-related conditions. ClinVar contains an entry for this variant (Variation ID: 586681). Advanced modeling of protein sequence and biophysical properties (such as structural, functional, and spatial information, amino acid conservation, physicochemical variation, residue mobility, and thermodynamic stability) performed at Invitae indicates that this missense variant is not expected to disrupt SQSTM1 protein function with a negative predictive value of 80%. In summary, the available evidence is currently insufficient to determine the role of this variant in disease. Therefore, it has been classified as a Variant of Uncertain Significance.

Athena Diagnostics
Classification: Uncertain significance. Last evaluated: 2017-12-22. Review status: criteria provided, single submitter. Criteria: Athena Diagnostics Criteria. Collection method: clinical testing. Allele origin: germline.

NM_003900.5(SQSTM1):c.1030A>C (p.Lys344Gln)

Gene: SQSTM1 (sequestosome 1; plus strand). Cytogenetic location: 5q35.3.
Variant type: single nucleotide variant.
Coding change: c.1030A>C on transcript NM_003900.5 (MANE Select); coding-DNA position 1030, A replaced by C.
Protein change: p.Lys344Gln; replaces lysine 344 with glutamine.
Molecular consequence: missense variant.
Genome position (GRCh38, 1-based): chr5:179,833,647, A>C. VCF-style: chr5-179833647-A-C. GRCh37 (hg19) VCF-style: chr5-179260647-A-C.
Other names: c.778A>C, p.Lys260Gln (NM_001142298.2, NM_001142299.2); short protein forms K260Q, K344Q.
Identifiers: ClinVar variation 586681 (VCV000586681.4), dbSNP rs1554091448, ClinGen allele CA362452535.